The following is an entry in ClinVar:

NM_052989.3(IFT122):c.2154C>T (p.His718=)

Genes: IFT122 (intraflagellar transport 122; plus strand), LOC126806810 (CDK7 strongly-dependent group 2 enhancer GRCh37_chr3:129213542-129214741; plus strand). Cytogenetic location: 3q21.3.
Variant type: single nucleotide variant.
Coding change: c.2154C>T on transcript NM_052989.3 (MANE Select); coding-DNA position 2154, C replaced by T.
Protein change: p.His718=; no amino-acid change (histidine 718 retained).
Molecular consequence: synonymous variant.
Genome position (GRCh38, 1-based): chr3:129,495,553, C>T. VCF-style: chr3-129495553-C-T. GRCh37 (hg19) VCF-style: chr3-129214396-C-T.
Other names: c.2130C>T, p.His710= (NM_001280541.2); c.1704C>T, p.His568= (NM_001280545.2); c.1527C>T, p.His509= (NM_001280546.2); c.1977C>T, p.His659= (NM_018262.4); c.2307C>T, p.His769= (NM_052985.4); c.1821C>T, p.His607= (NM_052990.3).
Identifiers: ClinVar variation 343250 (VCV000343250.23), dbSNP rs116819033, ClinGen allele CA2606417.

ClinVar aggregate classification (germline): Benign/Likely benign. Review status: criteria provided, multiple submitters, no conflicts (2 of 4 stars). 6 submissions from 6 submitters: Benign (3); Likely benign (3). Last evaluated 2026-01-27.

Conditions:
Connective tissue disorder. Also called: Connective tissue disease. Identifiers: MedGen C0009782, MONDO:0003900.
Cranioectodermal dysplasia 1 (CED1). Also called: LEVIN SYNDROME I. Identifiers: Orphanet 1515, MedGen C0432235, MONDO:0021093, OMIM 218330.

Allele frequency attached by ClinVar (database versions not stated): gnomAD exomes 0.00126 and 0.00304; ExAC 0.00371; gnomAD 0.01088 and 0.01164; ESP Exome Variant Server 0.01169; TOPMed 0.01233; 1000 Genomes Project 0.01398; 1000 Genomes Project 30x 0.01530.
gnomAD v4.1: 3,596 of 1,614,126 alleles (0.22%); highest among the groups gnomAD compares: African/African-American, 3.8%; 60 homozygotes.

Submissions (6):

Labcorp Genetics (formerly Invitae), Labcorp
Classification: Benign for Cranioectodermal dysplasia 1. Last evaluated: 2026-01-27. Review status: criteria provided, single submitter. Criteria: Invitae Variant Classification Sherloc (09022015). Collection method: clinical testing. Allele origin: germline.

Genome Diagnostics Laboratory, The Hospital for Sick Children
Classification: Benign for Connective tissue disorder. Last evaluated: 2022-07-15. Review status: criteria provided, single submitter. Criteria: ACMG Guidelines, 2015. Collection method: clinical testing. Allele origin: germline.

Fulgent Genetics
Classification: Likely benign for Cranioectodermal dysplasia 1. Last evaluated: 2021-07-26. Review status: criteria provided, single submitter. Criteria: ACMG Guidelines, 2015. Collection method: clinical testing. Allele origin: unknown.

GeneDx
Classification: Likely benign. Last evaluated: 2021-03-19. Review status: criteria provided, single submitter. Criteria: GeneDx Variant Classification Process June 2021. Collection method: clinical testing. Allele origin: germline. Affected: yes.

Illumina Laboratory Services, Illumina
Classification: Benign for Cranioectodermal dysplasia 1. Last evaluated: 2018-01-12. Review status: criteria provided, single submitter. Criteria: ICSL Variant Classification Criteria 13 December 2019. Collection method: clinical testing. Allele origin: germline.
Comment: This variant was observed in the ICSL laboratory as part of a predisposition screen in an ostensibly healthy population. It had not been previously curated by ICSL or reported in the Human Gene Mutation Database (HGMD: prior to June 1st, 2018), and was therefore a candidate for classification through an automated scoring system. Utilizing variant allele frequency, disease prevalence and penetrance estimates, and inheritance mode, an automated score was calculated to assess if this variant is too frequent to cause the disease. Based on the score and internal cut-off values, a variant classified as benign is not then subjected to further curation. The score for this variant resulted in a classification of benign for this disease.

Breakthrough Genomics
Classification: Likely benign. Review status: criteria provided, single submitter. Criteria: ACMG Guidelines, 2015. Collection method: not provided. Allele origin: germline. Inheritance: Autosomal recessive inheritance. Affected: yes.